The following is an entry in ClinVar:

ClinVar aggregate classification (germline): Uncertain significance (1 of 4 stars; one submission).

Conditions:
Hereditary cancer-predisposing syndrome. Also called: Neoplastic Syndromes, Hereditary; Tumor predisposition; Hereditary neoplastic syndrome; Hereditary Cancer Syndrome. Identifiers: Orphanet 140162, MedGen C0027672, MeSH D009386, MONDO:0015356.

Submission:

Color Diagnostics, LLC DBA Color Health
Classification: Uncertain significance for Hereditary cancer-predisposing syndrome. Last evaluated: 2025-05-20. Review status: criteria provided, single submitter. Criteria: ACMG Guidelines, 2015. Collection method: clinical testing. Allele origin: germline.
Comment: The CDKN2A locus encodes two different gene products, p16INK4a and p14ARF. This missense variant replaces serine with arginine at codon 7 of the CDKN2A (p16INK4A) protein. Computational prediction suggests that this variant may not impact protein structure and function. To our knowledge, functional studies have not been reported for this variant. This variant has not been reported in individuals affected with CDKN2A-related disorders in the literature. This variant has not been identified in the general population by the Genome Aggregation Database (gnomAD). The available evidence is insufficient to determine the role of this variant in disease conclusively. Therefore, this variant is classified as a Variant of Uncertain Significance.

NM_000077.5(CDKN2A):c.21C>A (p.Ser7Arg)

Gene: CDKN2A (cyclin dependent kinase inhibitor 2A; minus strand). Cytogenetic location: 9p21.3.
Variant type: single nucleotide variant.
Coding change: c.21C>A on transcript NM_000077.5; coding-DNA position 21, C replaced by A.
Protein change: p.Ser7Arg; replaces serine 7 with arginine.
Molecular consequence: missense variant (on NM_000077.6). On other transcripts: intron variant (2).
Genome position (GRCh38, 1-based): chr9:21,974,807, G>T on the plus strand (C>A on the coding strand, the complement: CDKN2A is on the minus strand). VCF-style: chr9-21974807-G-T. GRCh37 (hg19) VCF-style: chr9-21974806-G-T.
Other names: c.21C>A, p.Ser7Arg (NM_000077.6, NM_001195132.2, NM_058197.5); c.-3-3599C>A (NM_001363763.2); c.194-3599C>A (NM_058195.4); short protein forms S7R.
Identifiers: ClinVar variation 4756747 (VCV004756747.1).